The following is an entry in ClinVar:

ClinVar aggregate classification (germline): Conflicting classifications of pathogenicity. Review status: criteria provided, conflicting classifications (1 of 4 stars). 12 submissions from 10 submitters: Likely pathogenic (1); Uncertain significance (2); Benign (4); Likely benign (4). 1 of the submissions does not count toward it. Last evaluated 2026-08-01.

Conditions:
Hereditary spherocytosis type 1. Also called: Spherocytosis type 1; ANK1-Related Spherocytosis. Identifiers: Orphanet 822, MedGen C2674218, MONDO:0008447, OMIM 182900.
Hereditary spherocytosis type 3. Also called: SPTA1-Related Spherocytosis; Spherocytosis type 3. Identifiers: Orphanet 822, MedGen C2678338, MONDO:0010053, OMIM 270970.
Pyropoikilocytosis, hereditary. Also called: Pyropoikilocytosis. Identifiers: MedGen C0520739, MONDO:0009948, OMIM 266140, HP:0004839. Disease mechanism: loss of function.
Elliptocytosis 2 (EL2). Also called: ELLIPTOCYTOSIS, RHESUS-UNLINKED TYPE. Identifiers: Orphanet 288, MedGen C1851741, MONDO:0007533, OMIM 130600.
Hemolytic anemia. Identifiers: MedGen C0002878, MONDO:0003664, HP:0001878.

Allele frequency attached by ClinVar (database versions not stated): 1000 Genomes Project 30x 0.22720; 1000 Genomes Project 0.22784; TOPMed 0.24246; ESP Exome Variant Server 0.24911; gnomAD 0.25385 and 0.25447; gnomAD exomes 0.25444 and 0.27154; ExAC 0.25645.
gnomAD v4.1: 431,878 of 1,602,240 alleles (27%); highest among the groups gnomAD compares: Non-Finnish European, 28%; 60,252 homozygotes.

Submissions (12):

CeGaT Center for Human Genetics Tuebingen
Classification: Benign. Last evaluated: 2026-08-01. Review status: criteria provided, single submitter. Criteria: CeGaT Center For Human Genetics Tuebingen Variant Classification Criteria Version 2. Collection method: clinical testing. Allele origin: germline. Affected: yes. Observed: 9 variant alleles.
Comment: SPTA1: BS1, BS2

Department of Clinical Laboratory, Shenzhen Children's Hospital
Classification: Benign for Hereditary spherocytosis type 1. Last evaluated: 2026-06-01. Review status: criteria provided, single submitter. Criteria: ACMG Guidelines, 2015. Collection method: clinical testing. Allele origin: germline. Affected: yes. Observed: 1 variant allele.
Comment: ACMG criteria: BA1+BP4. This intronic variant is part of the alphaLELY haplotype. gnomAD allele frequency 0.254436, exceeding BA1 threshold (>0.05). Co-segregates with c.5572C>G (p.Leu1858Val) as the alphaLELY low-expression allele, acting as a phenotypic modifier.

Genomic Medicine Center of Excellence, King Faisal Specialist Hospital and Research Centre
Classification: Likely benign for Hemolytic anemia. Last evaluated: 2025-07-30. Review status: criteria provided, single submitter. Criteria: ACMG Guidelines, 2015. Collection method: clinical testing. Allele origin: germline.

Center for Genomic Medicine, Rigshospitalet, Copenhagen University Hospital
Classification: Uncertain significance. Last evaluated: 2025-03-04. Review status: criteria provided, single submitter. Criteria: ACMG Guidelines, 2015. Collection method: clinical testing. Allele origin: germline.

Department of Pathology and Laboratory Medicine, Sinai Health System
Classification: Uncertain significance for Hereditary spherocytosis type 3. Last evaluated: 2023-04-17. Review status: criteria provided, single submitter. Criteria: ACMG Guidelines, 2015. Collection method: research. Allele origin: germline.

ARUP Laboratories, Molecular Genetics and Genomics, ARUP Laboratories
Classification: Likely pathogenic. Last evaluated: 2021-11-30. Review status: criteria provided, single submitter. Criteria: ARUP Molecular Germline Variant Investigation Process 2021. Collection method: clinical testing. Allele origin: germline.

GeneDx
Classification: Benign. Last evaluated: 2021-05-24. Review status: criteria provided, single submitter. Criteria: GeneDx Variant Classification Process June 2021. Collection method: clinical testing. Allele origin: germline. Affected: yes.
Comment: Commonly referred to as the AlphaLELY allele, this variant is a low expression allele that results in partial skipping of exon 46 and expression of hereditary elliptocytosis when in trans with a pathogenic SPTA1 variant (Wilmotte et al., 1999); This variant has been reported multiple times in association with hereditary elliptocytosis when present in trans with a pathogenic SPTA1 variant (Russo et al., 2018; Aggarwal et al., 2020; Suzuki et al., 2021) This variant is associated with the following publications: (PMID: 10192450, 29396846, 31602632, 32287101, 29484404, 30298500, 32581362)

Illumina Laboratory Services, Illumina
Classification: Likely benign for Elliptocytosis 2. Last evaluated: 2017-04-27. Review status: criteria provided, single submitter. Criteria: ICSL Variant Classification Criteria 13 December 2019. Collection method: clinical testing. Allele origin: germline.
Comment: This variant was observed as part of a predisposition screen in an ostensibly healthy population. A literature search was performed for the gene, cDNA change, and amino acid change (where applicable). No publications were found based on this search. Allele frequency data from public databases allowed determination this variant is unlikely to cause disease. Therefore, this variant is classified as likely benign.

Illumina Laboratory Services, Illumina
Classification: Likely benign for Hereditary spherocytosis type 3. Last evaluated: 2017-04-27. Review status: criteria provided, single submitter. Criteria: ICSL Variant Classification Criteria 13 December 2019. Collection method: clinical testing. Allele origin: germline.
Comment: the same text as in the submission from Illumina Laboratory Services, Illumina above.

Illumina Laboratory Services, Illumina
Classification: Likely benign for Pyropoikilocytosis, hereditary. Last evaluated: 2017-04-27. Review status: criteria provided, single submitter. Criteria: ICSL Variant Classification Criteria 13 December 2019. Collection method: clinical testing. Allele origin: germline.
Comment: the same text as in the submission from Illumina Laboratory Services, Illumina above.

PreventionGenetics, part of Exact Sciences
Classification: Benign. Review status: criteria provided, single submitter. Criteria: ACMG Guidelines, 2015. Collection method: clinical testing. Allele origin: germline.

NIHR Bioresource Rare Diseases, University of Cambridge
Classification: Likely pathogenic for Hemolytic anemia. Review status: no assertion criteria provided. Collection method: research. Allele origin: unknown. Affected: yes. Observed: 2 variant alleles. Not counted in ClinVar's aggregate classification.

Literature cited by the submitters: PubMed 10192450 (cited by Center for Genomic Medicine, Rigshospitalet, Copenhagen University Hospital); PubMed 8844207 (cited by Center for Genomic Medicine, Rigshospitalet, Copenhagen University Hospital); PubMed 27667160 (cited by Center for Genomic Medicine, Rigshospitalet, Copenhagen University Hospital); PubMed 38054408 (cited by Center for Genomic Medicine, Rigshospitalet, Copenhagen University Hospital); PubMed 32581362 (cited by NIHR Bioresource Rare Diseases, University of Cambridge).

NM_003126.4(SPTA1):c.6531-12C>T

Gene: SPTA1 (spectrin alpha, erythrocytic 1; minus strand). Cytogenetic location: 1q23.1.
Variant type: single nucleotide variant.
Coding change: c.6531-12C>T on transcript NM_003126.4 (MANE Select); 12 bases into the intron before coding-DNA position 6531, C replaced by T.
Molecular consequence: intron variant.
Genome position (GRCh38, 1-based): chr1:158,618,068, G>A on the plus strand (C>T on the coding strand, the complement: SPTA1 is on the minus strand). VCF-style: chr1-158618068-G-A. GRCh37 (hg19) VCF-style: chr1-158587858-G-A.
Identifiers: ClinVar variation 258954 (VCV000258954.55), dbSNP rs28525570, ClinGen allele CA1181949.
Genomic context (GRCh38, chr1:158,618,068, plus strand): 5'-AGCAAACATGATGATAACATAAAATACTGACCCATCCAGAAAGTAAGCCCTGGACATGGA[G>A]GTCCGGAACAGGAATCACATGAGAGAAAAGGGAGATGATATGTTAAAATGGATTACTTTA-3'